The following is an entry in ClinVar:

NM_017617.5(NOTCH1):c.5765A>G (p.Asn1922Ser)

Gene: NOTCH1 (notch receptor 1; minus strand). Cytogenetic location: 9q34.3.
Variant type: single nucleotide variant.
Coding change: c.5765A>G on transcript NM_017617.5 (MANE Select); coding-DNA position 5765, A replaced by G.
Protein change: p.Asn1922Ser; replaces asparagine 1922 with serine.
Molecular consequence: missense variant.
Genome position (GRCh38, 1-based): chr9:136,500,721, T>C on the plus strand (A>G on the coding strand, the complement: NOTCH1 is on the minus strand). VCF-style: chr9-136500721-T-C. GRCh37 (hg19) VCF-style: chr9-139395173-T-C.
Other names: c.5765A>G (NM_017617.3, NM_017617.4); short protein forms N1922S.
Identifiers: ClinVar variation 1438506 (VCV001438506.10), dbSNP rs765708087, ClinGen allele CA5340133.

ClinVar aggregate classification (germline): Conflicting classifications of pathogenicity. Review status: criteria provided, conflicting classifications (1 of 4 stars). 4 submissions from 4 submitters: Uncertain significance (3); Likely benign (1). Last evaluated 2025-01-30.

Conditions:
Adams-Oliver syndrome 5 (AOS5). Identifiers: Orphanet 974, MedGen C4014970, MONDO:0014459, OMIM 616028.
NOTCH1-related disorder. Also called: NOTCH1-related disorders; NOTCH1-related condition.
Familial thoracic aortic aneurysm and aortic dissection (TAAD). Also called: Thoracic aortic aneurysms and dissections. Identifiers: Orphanet 91387, MedGen C4707243, MONDO:0019625.

Allele frequency attached by ClinVar (database versions not stated): gnomAD exomes 0.00001 and 0.00002; ExAC 0.00002; TOPMed 0.00003; gnomAD 0.00005.
gnomAD v4.1: 16 of 1,608,870 alleles (0.00099%); highest among the groups gnomAD compares: East Asian, 0.016%; no homozygotes.

Submissions (4):

PreventionGenetics, part of Exact Sciences
Classification: Uncertain significance for NOTCH1-related condition. Last evaluated: 2025-01-30. Review status: criteria provided, single submitter. Criteria: ACMG Guidelines, 2015. Collection method: clinical testing. Allele origin: germline.
Comment: The NOTCH1 c.5765A>G variant is predicted to result in the amino acid substitution p.Asn1922Ser. To our knowledge, this variant has not been reported in the literature. This variant is reported in 0.0065% of alleles in individuals of African descent in gnomAD. At this time, the clinical significance of this variant is uncertain due to the absence of conclusive functional and genetic evidence.

Labcorp Genetics (formerly Invitae), Labcorp
Classification: Likely benign for Adams-Oliver syndrome 5. Last evaluated: 2023-04-11. Review status: criteria provided, single submitter. Criteria: Invitae Variant Classification Sherloc (09022015). Collection method: clinical testing. Allele origin: germline.

Ambry Genetics
Classification: Uncertain significance for Familial thoracic aortic aneurysm and aortic dissection. Last evaluated: 2023-02-10. Review status: criteria provided, single submitter. Criteria: Ambry Variant Classification Scheme 2023. Collection method: clinical testing. Allele origin: germline.
Comment: The p.N1922S variant (also known as c.5765A>G), located in coding exon 31 of the NOTCH1 gene, results from an A to G substitution at nucleotide position 5765. The asparagine at codon 1922 is replaced by serine, an amino acid with highly similar properties. This amino acid position is conserved. In addition, this alteration is predicted to be tolerated by in silico analysis. Since supporting evidence is limited at this time, the clinical significance of this alteration remains unclear.

CHEO Genetics Diagnostic Laboratory, Children's Hospital of Eastern Ontario
Classification: Uncertain significance for Familial thoracic aortic aneurysm and aortic dissection. Last evaluated: 2021-07-22. Review status: criteria provided, single submitter. Criteria: ACMG Guidelines, 2015. Collection method: clinical testing. Allele origin: germline.